The following is an entry in ClinVar:

ClinVar aggregate classification (germline): Uncertain significance (1 of 4 stars; one submission).

Conditions:
Symmetrical dyschromatosis of extremities (DSH). Also called: DYSCHROMATOSIS SYMMETRICA HEREDITARIA 1; RETICULATE ACROPIGMENTATION OF DOHI; SYMMETRIC DYSCHROMATOSIS OF THE EXTREMITIES; Dyschromatosis symmetrica hereditaria. Identifiers: Orphanet 41, MedGen C0406775, MONDO:0007483, OMIM 127400.
Aicardi-Goutieres syndrome 6 (AGS6). Identifiers: Orphanet 51, MedGen C3539013, MONDO:0014007, OMIM 615010.

Submission:

Labcorp Genetics (formerly Invitae), Labcorp
Classification: Uncertain significance for Aicardi-Goutieres syndrome 6; Symmetrical dyschromatosis of extremities. Last evaluated: 2023-01-20. Review status: criteria provided, single submitter. Criteria: Invitae Variant Classification Sherloc (09022015). Collection method: clinical testing. Allele origin: germline.
Comment: This variant is present in population databases (no rsID available, gnomAD 0.0009%). This variant, c.2464_2466del, results in the deletion of 1 amino acid(s) of the ADAR protein (p.Leu822del), but otherwise preserves the integrity of the reading frame. This variant has not been reported in the literature in individuals affected with ADAR-related conditions. In summary, the available evidence is currently insufficient to determine the role of this variant in disease. Therefore, it has been classified as a Variant of Uncertain Significance. Experimental studies and prediction algorithms are not available or were not evaluated, and the functional significance of this variant is currently unknown.

NM_001111.5(ADAR):c.2458CTC[2] (p.Leu822del)

Gene: ADAR (adenosine deaminase RNA specific; minus strand). Cytogenetic location: 1q21.3.
Variant type: Microsatellite.
Coding change: c.2458CTC[2] on transcript NM_001111.5 (MANE Select); two copies in a row of the 3-base unit CTC starting at c.2458; the reference has three copies in a row; one copy, 3 bases deleted.
Protein change: p.Leu822del; deletes leucine 822.
Molecular consequence: inframe deletion. On other transcripts: intron variant (3).
Genome position (GRCh38, 1-based): chr1:154,590,214-154,590,216, GAG deleted on the plus strand (CTC on the coding strand, the reverse complement: ADAR is on the minus strand); deleting any 3 consecutive bases within chr1:154,590,214-154,590,222 gives the same sequence; the position shown is the placement nearest the transcript's 3' end. VCF-style (leftmost placement, unchanged base first): chr1-154590213-AGAG-A. GRCh37 (hg19) VCF-style: chr1-154562689-AGAG-A.
Other names: c.1573CTC[2], p.Leu527del (NM_001025107.3, NM_001193495.2, NM_001365046.1 and 2 more transcripts); c.2485CTC[2], p.Leu831del (NM_001365045.1); c.1533+40CTC[2] (NM_001365049.1); c.2361+40CTC[2] (NM_015841.4); c.2418+40CTC[2] (NM_015840.4); short protein forms L527del, L822del, L831del.
Identifiers: ClinVar variation 2943279 (VCV002943279.3), dbSNP rs1256801249, ClinGen allele CA526666476.